The following is an entry in ClinVar:

NM_001379500.1(COL18A1):c.2213C>T (p.Pro738Leu)

Gene: COL18A1 (collagen type XVIII alpha 1 chain; plus strand). Cytogenetic location: 21q22.3.
Variant type: single nucleotide variant.
Coding change: c.2213C>T on transcript NM_001379500.1 (MANE Select); coding-DNA position 2213, C replaced by T.
Protein change: p.Pro738Leu; replaces proline 738 with leucine.
Molecular consequence: missense variant.
Genome position (GRCh38, 1-based): chr21:45,492,712, C>T. VCF-style: chr21-45492712-C-T. GRCh37 (hg19) VCF-style: chr21-46912626-C-T.
Other names: c.2753C>T, p.Pro918Leu (NM_030582.4); c.3458C>T, p.Pro1153Leu (NM_130444.3); short protein forms P1153L, P738L, P918L.
Identifiers: ClinVar variation 2096869 (VCV002096869.1), dbSNP rs1268936778, ClinGen allele CA410497229.

ClinVar aggregate classification (germline): Uncertain significance (1 of 4 stars; one submission).

Submission:

Labcorp Genetics (formerly Invitae), Labcorp
Classification: Uncertain significance. Last evaluated: 2022-02-15. Review status: criteria provided, single submitter. Criteria: Invitae Variant Classification Sherloc (09022015). Collection method: clinical testing. Allele origin: germline.
Comment: This sequence change replaces proline, which is neutral and non-polar, with leucine, which is neutral and non-polar, at codon 738 of the COL18A1 protein (p.Pro738Leu). This variant is not present in population databases (gnomAD no frequency). This variant has not been reported in the literature in individuals affected with COL18A1-related conditions. Experimental studies and prediction algorithms are not available or were not evaluated, and the functional significance of this variant is currently unknown. In summary, the available evidence is currently insufficient to determine the role of this variant in disease. Therefore, it has been classified as a Variant of Uncertain Significance.